The following is an entry in ClinVar:

ClinVar aggregate classification (germline): Conflicting classifications of pathogenicity. Review status: criteria provided, conflicting classifications (1 of 4 stars). 9 submissions from 9 submitters: Uncertain significance (7); Likely benign (2). Last evaluated 2025-11-24.

Conditions:
Cardiovascular phenotype. Identifiers: MedGen CN230736.
Dilated cardiomyopathy 1G (CMD1G). Identifiers: Orphanet 154, MedGen C1858763, MONDO:0011400, OMIM 604145.
Autosomal recessive limb-girdle muscular dystrophy type 2J (LGMDR10). Also called: Limb-girdle muscular dystrophy, type 2J; MUSCULAR DYSTROPHY, LIMB-GIRDLE, AUTOSOMAL RECESSIVE 10. Identifiers: Orphanet 140922, MedGen C1837342, MONDO:0012127, OMIM 608807.
TTN-related disorder. Also called: TTN-related disorders; TTN-related condition; TTN-related disease.

Allele frequency attached by ClinVar (database versions not stated): ExAC 0.00007; TOPMed 0.00007; ESP Exome Variant Server 0.00008; gnomAD 0.00008 and 0.00009; gnomAD exomes 0.00009.
gnomAD v4.1: 144 of 1,612,690 alleles (0.0089%); highest among the groups gnomAD compares: Non-Finnish European, 0.011%; no homozygotes.

Submissions (9):

PreventionGenetics, part of Exact Sciences
Classification: Uncertain significance for TTN-related condition. Last evaluated: 2025-11-24. Review status: criteria provided, single submitter. Criteria: ACMG Guidelines, 2015. Collection method: clinical testing. Allele origin: germline.
Comment: The TTN c.54053A>T variant is predicted to result in the amino acid substitution p.Lys18018Met. To our knowledge, this variant has not been reported in the literature. This variant is reported in 0.015% of alleles in individuals of European (Non-Finnish) descent in gnomAD. At this time, the clinical significance of this variant is uncertain due to the absence of conclusive functional and genetic evidence.

Revvity Omics, Revvity
Classification: Uncertain significance. Last evaluated: 2023-03-13. Review status: criteria provided, single submitter. Criteria: ACMG Guidelines, 2015. Collection method: clinical testing. Allele origin: germline.

CeGaT Center for Human Genetics Tuebingen
Classification: Likely benign. Last evaluated: 2023-02-01. Review status: criteria provided, single submitter. Criteria: CeGaT Center For Human Genetics Tuebingen Variant Classification Criteria Version 2. Collection method: clinical testing. Allele origin: germline. Affected: yes. Observed: 3 variant alleles.
Comment: TTN: BP4

GeneDx
Classification: Likely benign. Last evaluated: 2021-06-23. Review status: criteria provided, single submitter. Criteria: GeneDx Variant Classification Process June 2021. Collection method: clinical testing. Allele origin: germline. Affected: yes.
Comment: Has not been previously published as pathogenic or benign to our knowledge; This variant is associated with the following publications: (PMID: 27535533)

Athena Diagnostics
Classification: Uncertain significance. Last evaluated: 2020-12-30. Review status: criteria provided, single submitter. Criteria: Athena Diagnostics criteria. Collection method: clinical testing. Allele origin: unknown.

Ambry Genetics
Classification: Uncertain significance for Cardiovascular phenotype. Last evaluated: 2019-10-29. Review status: criteria provided, single submitter. Criteria: Ambry Variant Classification Scheme 2023. Collection method: clinical testing. Allele origin: germline.
Comment: The p.K8953M variant (also known as c.26858A>T), located in coding exon 107 of the TTN gene, results from an A to T substitution at nucleotide position 26858. The lysine at codon 8953 is replaced by methionine, an amino acid with similar properties. This amino acid position is not well conserved in available vertebrate species. In addition, this alteration is predicted to be tolerated by in silico analysis. Since supporting evidence is limited at this time, the clinical significance of this alteration remains unclear.

Mayo Clinic Laboratories, Mayo Clinic
Classification: Uncertain significance. Last evaluated: 2019-06-17. Review status: criteria provided, single submitter. Criteria: ACMG Guidelines, 2015. Collection method: clinical testing. Allele origin: germline. Observed: 1 variant allele.

Eurofins Ntd Llc (ga)
Classification: Uncertain significance. Last evaluated: 2018-08-10. Review status: criteria provided, single submitter. Criteria: EGL ClinVar v180209 classification definitions. Collection method: clinical testing. Allele origin: germline. Observed: 2 variant alleles, 2 heterozygotes.

Labcorp Genetics (formerly Invitae), Labcorp
Classification: Uncertain significance for Dilated cardiomyopathy 1G; Autosomal recessive limb-girdle muscular dystrophy type 2J. Last evaluated: 2017-08-04. Review status: criteria provided, single submitter. Criteria: Invitae Variant Classification Sherloc (09022015). Collection method: clinical testing. Allele origin: germline.

NM_001267550.2(TTN):c.54053A>T (p.Lys18018Met)

Genes: TTN-AS1 (TTN antisense RNA 1; plus strand), TTN (titin; minus strand). Cytogenetic location: 2q31.2.
Variant type: single nucleotide variant.
Coding change: c.54053A>T on transcript NM_001267550.2 (MANE Select); coding-DNA position 54053, A replaced by T.
Protein change: p.Lys18018Met; replaces lysine 18018 with methionine.
Molecular consequence: missense variant. On other transcripts: non-coding transcript variant (1).
Genome position (GRCh38, 1-based): chr2:178,605,124, T>A on the plus strand (A>T on the coding strand, the complement: TTN is on the minus strand). VCF-style: chr2-178605124-T-A. GRCh37 (hg19) VCF-style: chr2-179469851-T-A.
Other names: c.49130A>T, p.Lys16377Met (NM_001256850.1); c.26858A>T, p.Lys8953Met (NM_003319.4); c.46349A>T, p.Lys15450Met (NM_133378.4); c.27233A>T, p.Lys9078Met (NM_133432.3); c.27434A>T, p.Lys9145Met (NM_133437.4); c.54053A>T (NM_001267550.1); short protein forms K18018M, K15450M, K8953M, K9078M, K16377M, K9145M.
Identifiers: ClinVar variation 467263 (VCV000467263.65), dbSNP rs368425364, ClinGen allele CA1993705.